The following is an entry in ClinVar:

ClinVar aggregate classification (germline): Uncertain significance (1 of 4 stars; one submission).

Conditions:
Early Myoclonic Encephalopathy. Identifiers: MedGen C0270855.

Allele frequency attached by ClinVar (database versions not stated): gnomAD exomes below 0.00001.
gnomAD v4.1: 1 of 1,614,114 alleles (0.000062%); highest among the groups gnomAD compares: Non-Finnish European, 0.000085%; no homozygotes.

Submission:

Labcorp Genetics (formerly Invitae), Labcorp
Classification: Uncertain significance for Early Myoclonic Encephalopathy. Last evaluated: 2024-07-01. Review status: criteria provided, single submitter. Criteria: Invitae Variant Classification Sherloc (09022015). Collection method: clinical testing. Allele origin: germline.
Comment: This sequence change replaces asparagine, which is neutral and polar, with histidine, which is basic and polar, at codon 855 of the JMJD1C protein (p.Asn855His). This variant is not present in population databases (gnomAD no frequency). This variant has not been reported in the literature in individuals affected with JMJD1C-related conditions. An algorithm developed to predict the effect of missense changes on protein structure and function (PolyPhen-2) suggests that this variant is likely to be disruptive. In summary, the available evidence is currently insufficient to determine the role of this variant in disease. Therefore, it has been classified as a Variant of Uncertain Significance.

NM_032776.3(JMJD1C):c.2563A>C (p.Asn855His)

Gene: JMJD1C (jumonji domain containing 1C; minus strand). Cytogenetic location: 10q21.3.
Variant type: single nucleotide variant.
Coding change: c.2563A>C on transcript NM_032776.3 (MANE Select); coding-DNA position 2563, A replaced by C.
Protein change: p.Asn855His; replaces asparagine 855 with histidine.
Molecular consequence: missense variant. On other transcripts: non-coding transcript variant (1).
Genome position (GRCh38, 1-based): chr10:63,213,604, T>G on the plus strand (A>C on the coding strand, the complement: JMJD1C is on the minus strand). VCF-style: chr10-63213604-T-G. GRCh37 (hg19) VCF-style: chr10-64973364-T-G.
Other names: c.2017A>C, p.Asn673His (NM_001282948.2, NM_001318154.2); c.1699A>C, p.Asn567His (NM_001318153.2); c.2449A>C, p.Asn817His (NM_001322252.2); c.1906A>C, p.Asn636His (NM_001322254.2, NM_001322258.2); short protein forms N567H, N636H, N817H, N855H, N673H.
Identifiers: ClinVar variation 2743362 (VCV002743362.3), dbSNP rs1847624139, ClinGen allele CA377044841.